The following is an entry in ClinVar:

ClinVar aggregate classification (germline): Uncertain significance. Review status: criteria provided, multiple submitters, no conflicts (2 of 4 stars). 2 submissions from 2 submitters: Uncertain significance (2). Last evaluated 2026-09-08.

Conditions:
Cognitive impairment - coarse facies - heart defects - obesity - pulmonary involvement - short stature - skeletal dysplasia syndrome. Also called: AFF4-Related CHOPS Syndrome; COGNITIVE IMPAIRMENT, COARSE FACIES, HEART DEFECTS, OBESITY, PULMONARY INVOLVEMENT, SHORT STATURE, AND SKELETAL DYSPLASIA; Chops syndrome. Identifiers: Orphanet 444077, MedGen C4085597, MONDO:0014609, OMIM 616368.
AFF4-related disorder. Also called: AFF4-related condition.

gnomAD v4.1: 9 of 1,613,288 alleles (0.00056%); highest among the groups gnomAD compares: Admixed American, 0.005%; no homozygotes.

Submissions (2):

PreventionGenetics, part of Exact Sciences
Classification: Uncertain significance for AFF4-related condition. Last evaluated: 2026-09-08. Review status: criteria provided, single submitter. Criteria: ACMG Guidelines, 2015. Collection method: clinical testing. Allele origin: germline.
Comment: The AFF4 c.3487T>C variant is predicted to result in the amino acid substitution p.Ser1163Pro. To our knowledge, this variant has not been reported in the literature. This variant is reported in 0.0088% of alleles in individuals of Latino descent in gnomAD. At this time, the clinical significance of this variant is uncertain due to the absence of conclusive functional and genetic evidence.

Labcorp Genetics (formerly Invitae), Labcorp
Classification: Uncertain significance for Cognitive impairment - coarse facies - heart defects - obesity - pulmonary involvement - short stature - skeletal dysplasia syndrome. Last evaluated: 2024-02-26. Review status: criteria provided, single submitter. Criteria: Invitae Variant Classification Sherloc (09022015). Collection method: clinical testing. Allele origin: germline.
Comment: This sequence change replaces serine, which is neutral and polar, with proline, which is neutral and non-polar, at codon 1163 of the AFF4 protein (p.Ser1163Pro). This variant is present in population databases (rs763598579, gnomAD 0.009%). This variant has not been reported in the literature in individuals affected with AFF4-related conditions. Algorithms developed to predict the effect of missense changes on protein structure and function output the following: SIFT: "Not Available"; PolyPhen-2: "Possibly Damaging"; Align-GVGD: "Not Available". The proline amino acid residue is found in multiple mammalian species, which suggests that this missense change does not adversely affect protein function. In summary, the available evidence is currently insufficient to determine the role of this variant in disease. Therefore, it has been classified as a Variant of Uncertain Significance.

NM_014423.4(AFF4):c.3487T>C (p.Ser1163Pro)

Gene: AFF4 (ALF transcription elongation factor 4; minus strand). Cytogenetic location: 5q31.1.
Variant type: single nucleotide variant.
Coding change: c.3487T>C on transcript NM_014423.4 (MANE Select); coding-DNA position 3487, T replaced by C.
Protein change: p.Ser1163Pro; replaces serine 1163 with proline.
Molecular consequence: missense variant.
Genome position (GRCh38, 1-based): chr5:132,881,064, A>G on the plus strand (T>C on the coding strand, the complement: AFF4 is on the minus strand). VCF-style: chr5-132881064-A-G. GRCh37 (hg19) VCF-style: chr5-132216756-A-G.
Other names: c.3487T>C (NM_014423.3); short protein forms S1163P.
Identifiers: ClinVar variation 3718044 (VCV003718044.3).